The following is an entry in ClinVar:

NM_001349253.2(SCN11A):c.4959G>A (p.Leu1653=)

Gene: SCN11A (sodium voltage-gated channel alpha subunit 11; minus strand). Cytogenetic location: 3p22.2.
Variant type: single nucleotide variant.
Coding change: c.4959G>A on transcript NM_001349253.2 (MANE Select); coding-DNA position 4959, G replaced by A.
Protein change: p.Leu1653=; no amino-acid change (leucine 1653 retained).
Molecular consequence: synonymous variant.
Genome position (GRCh38, 1-based): chr3:38,847,111, C>T on the plus strand (G>A on the coding strand, the complement: SCN11A is on the minus strand). VCF-style: chr3-38847111-C-T. GRCh37 (hg19) VCF-style: chr3-38888602-C-T.
Other names: c.4959G>A, p.Leu1653= (NM_014139.3).
Identifiers: ClinVar variation 708505 (VCV000708505.13), dbSNP rs200287177, ClinGen allele CA2321434.

ClinVar aggregate classification (germline): Likely benign. Review status: criteria provided, multiple submitters, no conflicts (2 of 4 stars). 4 submissions from 4 submitters: Likely benign (3). 1 of the submissions does not count toward it. Last evaluated 2025-11-24.

Conditions:
Hereditary sensory and autonomic neuropathy type 7. Also called: HSAN VII; Neuropathy, hereditary sensory and autonomic, type VII. Identifiers: Orphanet 391397, MedGen C3809882, MONDO:0014244, OMIM 615548.
Familial episodic pain syndrome with predominantly lower limb involvement. Also called: Episodic pain syndrome, familial, 3. Identifiers: Orphanet 391384, Orphanet 391392, MedGen C3809899, MONDO:0014247, OMIM 615552.
SCN11A-related disorder. Also called: SCN11A-related condition.

Allele frequency attached by ClinVar (database versions not stated): gnomAD 0.00006.
gnomAD v4.1: 103 of 1,614,054 alleles (0.0064%); highest among the groups gnomAD compares: Non-Finnish European, 0.0083%; no homozygotes.

Submissions (4):

Labcorp Genetics (formerly Invitae), Labcorp
Classification: Likely benign for Familial episodic pain syndrome with predominantly lower limb involvement; Hereditary sensory and autonomic neuropathy type 7. Last evaluated: 2025-11-24. Review status: criteria provided, single submitter. Criteria: Invitae Variant Classification Sherloc (09022015). Collection method: clinical testing. Allele origin: germline.

Women's Health and Genetics/Laboratory Corporation of America, LabCorp
Classification: Likely benign. Last evaluated: 2025-10-31. Review status: criteria provided, single submitter. Criteria: LabCorp Variant Classification Summary - May 2015. Collection method: clinical testing. Allele origin: germline.

Breakthrough Genomics
Classification: Likely benign. Review status: criteria provided, single submitter. Criteria: ACMG Guidelines, 2015. Collection method: not provided. Allele origin: germline. Inheritance: Autosomal dominant inheritance. Affected: yes.

PreventionGenetics, part of Exact Sciences
Classification: Likely benign for SCN11A-related condition. Last evaluated: 2019-06-11. Review status: no assertion criteria provided. Collection method: clinical testing. Allele origin: germline. Not counted in ClinVar's aggregate classification.
Comment: This variant is classified as likely benign based on ACMG/AMP sequence variant interpretation guidelines (Richards et al. 2015 PMID: 25741868, with internal and published modifications).